The following is an entry in ClinVar:

NM_017654.4(SAMD9):c.948C>A (p.Cys316Ter)

Gene: SAMD9 (sterile alpha motif domain containing 9; minus strand). Cytogenetic location: 7q21.2.
Variant type: single nucleotide variant.
Coding change: c.948C>A on transcript NM_017654.4 (MANE Select); coding-DNA position 948, C replaced by A.
Protein change: p.Cys316Ter; replaces cysteine 316 with a stop codon.
Molecular consequence: nonsense.
Genome position (GRCh38, 1-based): chr7:93,105,150, G>T on the plus strand (C>A on the coding strand, the complement: SAMD9 is on the minus strand). VCF-style: chr7-93105150-G-T. GRCh37 (hg19) VCF-style: chr7-92734463-G-T.
Other names: c.948C>A, p.Cys316Ter (NM_001193307.2); short protein forms C316*.
Identifiers: ClinVar variation 1482667 (VCV001482667.6), dbSNP rs2116421152, ClinGen allele CA368203154.
Genomic context (GRCh38, chr7:93,105,150, plus strand): 5'-ACTTTGTTCCCATATTTTGTTGTTGTAATTTTGCATTTTAATCTGGAAATAATCATATTG[G>T]CATTCAGAGAACTGTGGAATAATGTCCACTTCAATAACAAATCTGTCAGATAGAGTACTA-3'

ClinVar aggregate classification (germline): Uncertain significance (1 of 4 stars; one submission).

Submission:

Labcorp Genetics (formerly Invitae), Labcorp
Classification: Uncertain significance. Last evaluated: 2021-08-12. Review status: criteria provided, single submitter. Criteria: Invitae Variant Classification Sherloc (09022015). Collection method: clinical testing. Allele origin: germline.
Comment: This sequence change creates a premature translational stop signal (p.Cys316*) in the SAMD9 gene. While this is not anticipated to result in nonsense mediated decay, it is expected to disrupt the last 1274 amino acid(s) of the SAMD9 protein. This variant is not present in population databases (ExAC no frequency). This variant has not been reported in the literature in individuals affected with SAMD9-related conditions. Experimental studies and prediction algorithms are not available or were not evaluated, and the functional significance of this variant is currently unknown. In summary, the available evidence is currently insufficient to determine the role of this variant in disease. Therefore, it has been classified as a Variant of Uncertain Significance.